The following is an entry in ClinVar:

ClinVar aggregate classification (germline): Benign (1 of 4 stars; one submission).

Allele frequency attached by ClinVar (database versions not stated): 1000 Genomes Project 0.59841; gnomAD 0.44197; TOPMed 0.48451; 1000 Genomes Project 30x 0.59646.
gnomAD v4.1: 50,680 of 110,711 alleles (46%); highest among the groups gnomAD compares: East Asian, 86%; 8,677 homozygotes.

Submission:

GeneDx
Classification: Benign. Last evaluated: 2018-06-19. Review status: criteria provided, single submitter. Criteria: GeneDx Variant Classification (06012015). Collection method: clinical testing. Allele origin: germline. Affected: yes.
Comment: This variant is considered likely benign or benign based on one or more of the following criteria: it is a conservative change, it occurs at a poorly conserved position in the protein, it is predicted to be benign by multiple in silico algorithms, and/or has population frequency not consistent with disease.

NM_001367721.1(CASK):c.2318-251A>C

Gene: CASK (calcium/calmodulin dependent serine protein kinase; minus strand). Cytogenetic location: Xp11.4.
Variant type: single nucleotide variant.
Coding change: c.2318-251A>C on transcript NM_001367721.1 (MANE Select); 251 bases into the intron before coding-DNA position 2318, A replaced by C.
Molecular consequence: intron variant.
Genome position (GRCh38, 1-based): chrX:41,531,460, T>G on the plus strand (A>C on the coding strand, the complement: CASK is on the minus strand). VCF-style: chrX-41531460-T-G. GRCh37 (hg19) VCF-style: chrX-41390713-T-G.
Other names: c.2231-251A>C (NM_001126055.3); c.2300-251A>C (NM_001410745.1); c.2234-251A>C (NM_001126054.3); c.2303-251A>C (NM_003688.4).
Identifiers: ClinVar variation 668060 (VCV000668060.1), dbSNP rs2998250, ClinGen allele CA15046493.